The following is an entry in ClinVar:

NM_001367479.1(DNAH14):c.831G>T (p.Arg277Ser)

Gene: DNAH14 (dynein axonemal heavy chain 14; plus strand). Cytogenetic location: 1q42.12.
Variant type: single nucleotide variant.
Coding change: c.831G>T on transcript NM_001367479.1 (MANE Select); coding-DNA position 831, G replaced by T.
Protein change: p.Arg277Ser; replaces arginine 277 with serine.
Molecular consequence: missense variant.
Genome position (GRCh38, 1-based): chr1:225,002,783, G>T. VCF-style: chr1-225002783-G-T. GRCh37 (hg19) VCF-style: chr1-225190485-G-T.
Other names: c.831G>T, p.Arg277Ser (NM_001145154.3); c.762G>T, p.Arg254Ser (NM_001349911.2); short protein forms R254S, R277S.
Identifiers: ClinVar variation 3896064 (VCV003896064.1).

ClinVar aggregate classification (germline): Uncertain significance (1 of 4 stars; one submission).

gnomAD v4.1: 21 of 1,547,656 alleles (0.0014%); highest among the groups gnomAD compares: East Asian, 0.052%; no homozygotes.

Submission:

Women's Health and Genetics/Laboratory Corporation of America, LabCorp
Classification: Uncertain significance. Last evaluated: 2025-03-20. Review status: criteria provided, single submitter. Criteria: LabCorp Variant Classification Summary - May 2015. Collection method: clinical testing. Allele origin: germline.
Comment: Variant summary: DNAH14 c.831G>T (p.Arg277Ser) results in a non-conservative amino acid change in the encoded protein sequence in the first nucleotide position of exon 9 adjacent to the intron 8 / exon 9 splice acceptor site. Four of five in-silico tools predict a damaging effect of the variant on protein function. Several computational tools predict a significant impact on normal splicing: One predict the variant abolishes a 3' acceptor site. One predict the variant weakens a 3' acceptor site. However, these predictions have yet to be confirmed by functional studies. The variant allele was found at a frequency of 1.3e-05 in 154882 control chromosomes. The available data on variant occurrences in the general population are insufficient to allow any conclusion about variant significance. To our knowledge, no occurrence of c.831G>T in individuals affected with DNAH14-Related Disorders and no experimental evidence demonstrating its impact on protein function have been reported. No submitters have cited clinical-significance assessments for this variant to ClinVar. Based on the evidence outlined above, the variant was classified as uncertain significance.